The following is an entry in ClinVar:

ClinVar aggregate classification (germline): Uncertain significance. Review status: criteria provided, multiple submitters, no conflicts (2 of 4 stars). 2 submissions from 2 submitters: Uncertain significance (2). Last evaluated 2023-08-04.

Allele frequency attached by ClinVar (database versions not stated): ExAC 0.00001; gnomAD 0.00001; gnomAD exomes 0.00001 and 0.00002; TOPMed 0.00002.
gnomAD v4.1: 16 of 1,610,190 alleles (0.00099%); highest among the groups gnomAD compares: Admixed American, 0.01%; no homozygotes.

Submissions (2):

Labcorp Genetics (formerly Invitae), Labcorp
Classification: Uncertain significance. Last evaluated: 2023-08-04. Review status: criteria provided, single submitter. Criteria: Invitae Variant Classification Sherloc (09022015). Collection method: clinical testing. Allele origin: germline.
Comment: In summary, the available evidence is currently insufficient to determine the role of this variant in disease. Therefore, it has been classified as a Variant of Uncertain Significance. Advanced modeling of protein sequence and biophysical properties (such as structural, functional, and spatial information, amino acid conservation, physicochemical variation, residue mobility, and thermodynamic stability) performed at Invitae indicates that this missense variant is not expected to disrupt RASA2 protein function. ClinVar contains an entry for this variant (Variation ID: 1403416). This variant has not been reported in the literature in individuals affected with RASA2-related conditions. This variant is present in population databases (rs745753850, gnomAD 0.01%). This sequence change replaces threonine, which is neutral and polar, with methionine, which is neutral and non-polar, at codon 600 of the RASA2 protein (p.Thr600Met).

Ambry Genetics
Classification: Uncertain significance. Last evaluated: 2021-10-29. Review status: criteria provided, single submitter. Criteria: Ambry Variant Classification Scheme 2023. Collection method: clinical testing. Allele origin: germline.
Comment: The p.T600M variant (also known as c.1799C>T), located in coding exon 18 of the RASA2 gene, results from a C to T substitution at nucleotide position 1799. The threonine at codon 600 is replaced by methionine, an amino acid with similar properties. This amino acid position is conserved. In addition, this alteration is predicted to be tolerated by in silico analysis. Since supporting evidence is limited at this time, the clinical significance of this alteration remains unclear.

NM_006506.5(RASA2):c.1799C>T (p.Thr600Met)

Gene: RASA2 (RAS p21 protein activator 2; plus strand). Cytogenetic location: 3q23.
Variant type: single nucleotide variant.
Coding change: c.1799C>T on transcript NM_006506.5 (MANE Select); coding-DNA position 1799, C replaced by T.
Protein change: p.Thr600Met; replaces threonine 600 with methionine.
Molecular consequence: missense variant.
Genome position (GRCh38, 1-based): chr3:141,586,071, C>T. VCF-style: chr3-141586071-C-T. GRCh37 (hg19) VCF-style: chr3-141304913-C-T.
Other names: c.1799C>T, p.Thr600Met (NM_001303245.3, NM_001303246.3); short protein forms T600M.
Identifiers: ClinVar variation 1403416 (VCV001403416.10), dbSNP rs745753850, ClinGen allele CA2645618.